The following is an entry in ClinVar:

ClinVar aggregate classification (germline): Conflicting classifications of pathogenicity. Review status: criteria provided, conflicting classifications (1 of 4 stars). 3 submissions from 3 submitters: Uncertain significance (1); Likely benign (2). Last evaluated 2025-11-18.

Conditions:
Renal carnitine transport defect (CDSP). Also called: CARNITINE DEFICIENCY, SYSTEMIC, DUE TO DEFECT IN RENAL REABSORPTION OF CARNITINE; CARNITINE TRANSPORTER, PLASMA-MEMBRANE, DEFICIENCY OF; CARNITINE UPTAKE DEFECT; Carnitine transporter deficiency; Carnitine Deficiency, Systemic; Systemic primary carnitine deficiency disease. Identifiers: Orphanet 158, MedGen C0342788, MONDO:0008919, OMIM 212140.

Allele frequency attached by ClinVar (database versions not stated): ExAC 0.00001; gnomAD 0.00003 and 0.00004; TOPMed 0.00005.
gnomAD v4.1: 7 of 1,614,124 alleles (0.00043%); highest among the groups gnomAD compares: African/African-American, 0.0093%; no homozygotes.

Submissions (3):

Labcorp Genetics (formerly Invitae), Labcorp
Classification: Likely benign for Renal carnitine transport defect. Last evaluated: 2025-11-18. Review status: criteria provided, single submitter. Criteria: Invitae Variant Classification Sherloc (09022015). Collection method: clinical testing. Allele origin: germline.

Genome-Nilou Lab
Classification: Likely benign for Renal carnitine transport defect. Last evaluated: 2021-07-15. Review status: criteria provided, single submitter. Criteria: ACMG Guidelines, 2015. Collection method: clinical testing. Allele origin: germline. Affected: no.

GeneDx
Classification: Uncertain significance. Last evaluated: 2019-06-27. Review status: criteria provided, single submitter. Criteria: GeneDx Variant Classification Process June 2021. Collection method: clinical testing. Allele origin: germline. Affected: yes.
Comment: Not observed at a significant frequency in large population cohorts (Lek et al., 2016); Has not been previously published as pathogenic or benign to our knowledge

NM_003060.4(SLC22A5):c.1296G>C (p.Val432=)

Gene: SLC22A5 (solute carrier family 22 member 5; plus strand). Cytogenetic location: 5q31.1.
Variant type: single nucleotide variant.
Coding change: c.1296G>C on transcript NM_003060.4 (MANE Select); coding-DNA position 1296, G replaced by C.
Protein change: p.Val432=; no amino-acid change (valine 432 retained).
Molecular consequence: synonymous variant.
Genome position (GRCh38, 1-based): chr5:132,392,461, G>C. VCF-style: chr5-132392461-G-C. GRCh37 (hg19) VCF-style: chr5-131728153-G-C.
Other names: c.1368G>C, p.Val456= (NM_001308122.2).
Identifiers: ClinVar variation 529854 (VCV000529854.15), dbSNP rs755533900, ClinGen allele CA3404127.
Genomic context (GRCh38, chr5:132,392,461, plus strand): 5'-CTACTCCTACCCTCTTTCCTTTGCTTCTCCAGACTTGTATTATTTGGCTACAGTCCTGGT[G>C]ATGGTGGGCAAGTTTGGAGTCACGGCTGCCTTTTCCATGGTCTACGTGTACACAGCCGAG-3'
Protein context (NP_003051.1, residues 422-442): PDLYYLATVL[Val432=]MVGKFGVTAA